The following is an entry in ClinVar:

ClinVar aggregate classification (germline): Uncertain significance. Review status: criteria provided, multiple submitters, no conflicts (2 of 4 stars). 2 submissions from 2 submitters: Uncertain significance (2). Last evaluated 2025-08-11.

Conditions:
Inborn genetic diseases. Identifiers: MedGen C0950123, MeSH D030342.

Allele frequency attached by ClinVar (database versions not stated): gnomAD 0.00002; TOPMed 0.00002; gnomAD exomes 0.00003.
gnomAD v4.1: 39 of 1,613,540 alleles (0.0024%); highest among the groups gnomAD compares: Non-Finnish European, 0.0033%; no homozygotes.

Submissions (2):

Ambry Genetics
Classification: Uncertain significance for Inborn genetic diseases. Last evaluated: 2025-08-11. Review status: criteria provided, single submitter. Criteria: Ambry Variant Classification Scheme 2023. Collection method: clinical testing. Allele origin: germline.

Labcorp Genetics (formerly Invitae), Labcorp
Classification: Uncertain significance. Last evaluated: 2022-09-19. Review status: criteria provided, single submitter. Criteria: Invitae Variant Classification Sherloc (09022015). Collection method: clinical testing. Allele origin: germline.
Comment: This variant is present in population databases (no rsID available, gnomAD 0.007%). This sequence change replaces leucine, which is neutral and non-polar, with serine, which is neutral and polar, at codon 3575 of the HERC1 protein (p.Leu3575Ser). This variant has not been reported in the literature in individuals affected with HERC1-related conditions. In summary, the available evidence is currently insufficient to determine the role of this variant in disease. Therefore, it has been classified as a Variant of Uncertain Significance. Advanced modeling of protein sequence and biophysical properties (such as structural, functional, and spatial information, amino acid conservation, physicochemical variation, residue mobility, and thermodynamic stability) performed at Invitae indicates that this missense variant is not expected to disrupt HERC1 protein function.

NM_003922.4(HERC1):c.10724T>C (p.Leu3575Ser)

Gene: HERC1 (HECT and RLD domain containing E3 ubiquitin protein ligase family member 1; minus strand). Cytogenetic location: 15q22.31.
Variant type: single nucleotide variant.
Coding change: c.10724T>C on transcript NM_003922.4 (MANE Select); coding-DNA position 10724, T replaced by C.
Protein change: p.Leu3575Ser; replaces leucine 3575 with serine.
Molecular consequence: missense variant.
Genome position (GRCh38, 1-based): chr15:63,649,748, A>G on the plus strand (T>C on the coding strand, the complement: HERC1 is on the minus strand). VCF-style: chr15-63649748-A-G. GRCh37 (hg19) VCF-style: chr15-63941947-A-G.
Other names: c.10724T>C (NM_003922.3); short protein forms L3575S.
Identifiers: ClinVar variation 1923168 (VCV001923168.4), dbSNP rs1339243257, ClinGen allele CA392752008.